The following is an entry in ClinVar:

NM_147686.4(TRAF3IP2):c.926_1022+148delinsTGACCTGAAAAGTCTATATTGGGCATTCCACTATGTGACTTGCTCACTAACGTGGGTTAGCAAACCTATAGAGAATTCTGTTACATCTTCATTGCATTGGCATAATTCCTTTCCATGTTAAAAATGCCTGAAGGTTGGGCCTGTCATACTTACTGGTGCCTTGGAAGCCCCGGAAAGGAGCAGTCTCTCTGTGCGGGCCTCTCTTCGTGGTCCCAGGGGCTGGGATAATTCAGGATAACCTTCTGCACAG

Genes: TRAF3IP2 (TRAF3 interacting protein 2; minus strand), TRAF3IP2-AS1 (TRAF3IP2 antisense RNA 1; plus strand). Cytogenetic location: 6q21.
Variant type: Indel.
Coding change: c.926_1022+148delinsTGACCTGAAAAGTCTATATTGGGCATTCCACTATGTGACTTGCTCACTAACGTGGGTTAGCAAACCTATAGAGAATTCTGTTACATCTTCATTGCATTGGCATAATTCCTTTCCATGTTAAAAATGCCTGAAGGTTGGGCCTGTCATACTTACTGGTGCCTTGGAAGCCCCGGAAAGGAGCAGTCTCTCTGTGCGGGCCTCTCTTCGTGGTCCCAGGGGCTGGGATAATTCAGGATAACCTTCTGCACAG on transcript NM_147686.4 (MANE Select); coding-DNA position 926 through 148 bases into the intron after coding-DNA position 1022, the reference bases replaced by an inserted sequence.
Molecular consequence: splice donor variant.
Genome position (GRCh38, 1-based): chr6:111,580,049-111,580,293, 245 bases replaced. GRCh37 (hg19): chr6:111,901,252-111,901,496.
Other names: c.926_1022+148delinsTGACCTGAAAAGTCTATATTGGGCATTCCACTATGTGACTTGCTCACTAACGTGGGTTAGCAAACCTATAGAGAATTCTGTTACATCTTCATTGCATTGGCATAATTCCTTTCCATGTTAAAAATGCCTGAAGGTTGGGCCTGTCATACTTACTGGTGCCTTGGAAGCCCCGGAAAGGAGCAGTCTCTCTGTGCGGGCCTCTCTTCGTGGTCCCAGGGGCTGGGATAATTCAGGATAACCTTCTGCACAG (NM_001164281.3); c.953_1049+148delinsTGACCTGAAAAGTCTATATTGGGCATTCCACTATGTGACTTGCTCACTAACGTGGGTTAGCAAACCTATAGAGAATTCTGTTACATCTTCATTGCATTGGCATAATTCCTTTCCATGTTAAAAATGCCTGAAGGTTGGGCCTGTCATACTTACTGGTGCCTTGGAAGCCCCGGAAAGGAGCAGTCTCTCTGTGCGGGCCTCTCTTCGTGGTCCCAGGGGCTGGGATAATTCAGGATAACCTTCTGCACAG (NM_147200.3).
Identifiers: ClinVar variation 1036337 (VCV001036337.6), dbSNP rs1796107143, ClinGen allele CA1654985637.

ClinVar aggregate classification (germline): Pathogenic (1 of 4 stars; one submission).

Conditions:
Candidiasis, familial, 8 (CANDF8). Identifiers: Orphanet 1334, MedGen C3714992, MONDO:0014230, OMIM 615527.

Submission:

Labcorp Genetics (formerly Invitae), Labcorp
Classification: Pathogenic for Candidiasis, familial, 8. Last evaluated: 2022-10-03. Review status: criteria provided, single submitter. Criteria: Invitae Variant Classification Sherloc (09022015). Collection method: clinical testing. Allele origin: germline.
Comment: ClinVar contains an entry for this variant (Variation ID: 1036337). For these reasons, this variant has been classified as Pathogenic. Algorithms developed to predict the effect of sequence changes on RNA splicing suggest that this variant may disrupt the consensus splice site. This variant has been observed in individual(s) with clinical features of candidiasis (Invitae). It has also been observed to segregate with disease in related individuals. This variant is not present in population databases (gnomAD no frequency). This variant results in the deletion of part of exon 3 (c.926_1022+148delins250) of the TRAF3IP2 gene. It is expected to disrupt RNA splicing. Variants that disrupt the donor or acceptor splice site typically lead to a loss of protein function (PMID: 16199547), and loss-of-function variants in TRAF3IP2 are known to be pathogenic (PMID: 24120361).

Literature cited by the submitters: PubMed 16199547; PubMed 24120361.